The following is an entry in ClinVar:

NM_005050.4(ABCD4):c.1056G>A (p.Leu352=)

Gene: ABCD4 (ATP binding cassette subfamily D member 4; minus strand). Cytogenetic location: 14q24.3.
Variant type: single nucleotide variant.
Coding change: c.1056G>A on transcript NM_005050.4 (MANE Select); coding-DNA position 1056, G replaced by A.
Protein change: p.Leu352=; no amino-acid change (leucine 352 retained).
Molecular consequence: synonymous variant. On other transcripts: non-coding transcript variant (10).
Genome position (GRCh38, 1-based): chr14:74,292,349, C>T on the plus strand (G>A on the coding strand, the complement: ABCD4 is on the minus strand). VCF-style: chr14-74292349-C-T. GRCh37 (hg19) VCF-style: chr14-74759052-C-T.
Other names: c.930G>A, p.Leu310= (NM_001353591.2, NM_001353592.2); c.795G>A, p.Leu265= (NM_001353593.2); c.744G>A, p.Leu248= (NM_001353594.2); c.642G>A, p.Leu214= (NM_001353595.2, NM_001353596.2); c.591G>A, p.Leu197= (NM_001353597.2); c.579G>A, p.Leu193= (NM_001353598.2, NM_001353599.2, NM_001353600.2 and 2 more transcripts); c.267G>A, p.Leu89= (NM_001353602.2, NM_001353603.2, NM_001353604.2 and 6 more transcripts); c.1056G>A, p.Leu352= (NM_020325.3).
Identifiers: ClinVar variation 668490 (VCV000668490.14), dbSNP rs542032495, ClinGen allele CA7266946.

ClinVar aggregate classification (germline): Likely benign. Review status: criteria provided, multiple submitters, no conflicts (2 of 4 stars). 3 submissions from 3 submitters: Likely benign (2). 1 of the submissions does not count toward it. Last evaluated 2026-02-02.

Conditions:
ABCD4-related disorder. Also called: ABCD4-related condition.
Methylmalonic acidemia with homocystinuria, type cblJ (MAHCJ). Also called: METHYLMALONIC ACIDURIA AND HOMOCYSTINURIA, cblJ TYPE. Identifiers: Orphanet 369955, MedGen C3553915, MONDO:0013925, OMIM 614857.

Allele frequency attached by ClinVar (database versions not stated): gnomAD exomes 0.00001 and 0.00003; ExAC 0.00002; gnomAD 0.00010; 1000 Genomes Project 30x 0.00016; 1000 Genomes Project 0.00020; TOPMed 0.00029.
gnomAD v4.1: 47 of 1,614,132 alleles (0.0029%); highest among the groups gnomAD compares: Middle Eastern, 0.049%; 1 homozygote.

Submissions (3):

Labcorp Genetics (formerly Invitae), Labcorp
Classification: Likely benign for Methylmalonic acidemia with homocystinuria, type cblJ. Last evaluated: 2026-02-02. Review status: criteria provided, single submitter. Criteria: Invitae Variant Classification Sherloc (09022015). Collection method: clinical testing. Allele origin: germline.

GeneDx
Classification: Likely benign. Last evaluated: 2018-05-21. Review status: criteria provided, single submitter. Criteria: GeneDx Variant Classification (06012015). Collection method: clinical testing. Allele origin: germline. Affected: yes.
Comment: This variant is considered likely benign or benign based on one or more of the following criteria: it is a conservative change, it occurs at a poorly conserved position in the protein, it is predicted to be benign by multiple in silico algorithms, and/or has population frequency not consistent with disease.

PreventionGenetics, part of Exact Sciences
Classification: Likely benign for ABCD4-related condition. Last evaluated: 2019-06-25. Review status: no assertion criteria provided. Collection method: clinical testing. Allele origin: germline. Not counted in ClinVar's aggregate classification.
Comment: This variant is classified as likely benign based on ACMG/AMP sequence variant interpretation guidelines (Richards et al. 2015 PMID: 25741868, with internal and published modifications).